The following is an entry in ClinVar:

ClinVar aggregate classification (germline): Uncertain significance. Review status: criteria provided, multiple submitters, no conflicts (2 of 4 stars). 5 submissions from 5 submitters: Uncertain significance (5). Last evaluated 2026-08-17.

Conditions:
Hypertrophic cardiomyopathy. Also called: HYPERTROPHIC MYOCARDIOPATHY. Identifiers: Orphanet 217569, MedGen C0007194, MeSH D002312, MONDO:0005045, HP:0001639.
MYBPC3-related disorder. Also called: MYBPC3-related disorders; MYBPC3-related condition; MYBPC3-related disease.
Cardiovascular phenotype. Identifiers: MedGen CN230736.

Allele frequency attached by ClinVar (database versions not stated): gnomAD exomes below 0.00001; ExAC 0.00003.
gnomAD v4.1: 2 of 1,574,174 alleles (0.00013%); highest among the groups gnomAD compares: Middle Eastern, 0.017%; no homozygotes.

Submissions (5):

PreventionGenetics, part of Exact Sciences
Classification: Uncertain significance for MYBPC3-related condition. Last evaluated: 2026-08-17. Review status: criteria provided, single submitter. Criteria: ACMG Guidelines, 2015. Collection method: clinical testing. Allele origin: germline.
Comment: The MYBPC3 c.850A>G variant is predicted to result in the amino acid substitution p.Ser284Gly. To our knowledge, this variant has not been reported in the literature or population database gnomAD, indicating that this variant is rare. At this time, the clinical significance of this variant is uncertain due to the absence of conclusive functional and genetic evidence.

Labcorp Genetics (formerly Invitae), Labcorp
Classification: Uncertain significance for Hypertrophic cardiomyopathy. Last evaluated: 2025-02-07. Review status: criteria provided, single submitter. Criteria: Invitae Variant Classification Sherloc (09022015). Collection method: clinical testing. Allele origin: germline.
Comment: This sequence change replaces serine, which is neutral and polar, with glycine, which is neutral and non-polar, at codon 284 of the MYBPC3 protein (p.Ser284Gly). This variant is not present in population databases (gnomAD no frequency). This variant has not been reported in the literature in individuals affected with MYBPC3-related conditions. ClinVar contains an entry for this variant (Variation ID: 3072063). An algorithm developed to predict the effect of missense changes on protein structure and function (PolyPhen-2) suggests that this variant is likely to be tolerated. Algorithms developed to predict the effect of sequence changes on RNA splicing suggest that this variant may disrupt the consensus splice site. In summary, the available evidence is currently insufficient to determine the role of this variant in disease. Therefore, it has been classified as a Variant of Uncertain Significance.

Women's Health and Genetics/Laboratory Corporation of America, LabCorp
Classification: Uncertain significance. Last evaluated: 2025-01-27. Review status: criteria provided, single submitter. Criteria: LabCorp Variant Classification Summary - May 2015. Collection method: clinical testing. Allele origin: germline.

Ambry Genetics
Classification: Uncertain significance for Cardiovascular phenotype. Last evaluated: 2024-08-25. Review status: criteria provided, single submitter. Criteria: Ambry Variant Classification Scheme 2023. Collection method: clinical testing. Allele origin: germline.
Comment: The p.S284G variant (also known as c.850A>G), located in coding exon 8 of the MYBPC3 gene, results from an A to G substitution at nucleotide position 850. The serine at codon 284 is replaced by glycine, an amino acid with similar properties. This amino acid position is conserved. In addition, this alteration is predicted to be tolerated by in silico analysis. Based on the available evidence, the clinical significance of this variant remains unclear.

All of Us Research Program, National Institutes of Health
Classification: Uncertain significance for Hypertrophic cardiomyopathy. Last evaluated: 2023-06-26. Review status: criteria provided, single submitter. Criteria: ACMG Guidelines, 2015. Collection method: clinical testing. Allele origin: germline. Inheritance: Autosomal dominant inheritance. Observed: 1 variant allele, 1 heterozygote.
Comment: This missense variant replaces serine with glycine at codon 284 of the MYBPC3 protein. Computational prediction suggests that this variant may not impact protein structure and function (internally defined REVEL score threshold <= 0.5, PMID: 27666373). Splice site prediction tools suggest that this variant may have a significant impact on RNA splicing, although this prediction has not been confirmed in published RNA studies. To our knowledge, functional studies have not been reported for this variant. This variant has not been reported in individuals affected with MYBPC3-related disorders in the literature. This variant has not been identified in the general population by the Genome Aggregation Database (gnomAD). The available evidence is insufficient to determine the role of this variant in disease conclusively. Therefore, this variant is classified as a Variant of Uncertain Significance.

This study involves interpretation of variants in research participants for the purpose of population health screening. Participant phenotype was not available at the time of variant classification. Additional details can be found in publication PMID: 35346344, PMCID: PMC8962531

NM_000256.3(MYBPC3):c.850A>G (p.Ser284Gly)

Gene: MYBPC3 (myosin binding protein C3; minus strand). Cytogenetic location: 11p11.2.
Variant type: single nucleotide variant.
Coding change: c.850A>G on transcript NM_000256.3 (MANE Select); coding-DNA position 850, A replaced by G.
Protein change: p.Ser284Gly; replaces serine 284 with glycine.
Molecular consequence: missense variant.
Genome position (GRCh38, 1-based): chr11:47,347,652, T>C on the plus strand (A>G on the coding strand, the complement: MYBPC3 is on the minus strand). VCF-style: chr11-47347652-T-C. GRCh37 (hg19) VCF-style: chr11-47369203-T-C.
Other names: short protein forms S284G.
Identifiers: ClinVar variation 3072063 (VCV003072063.7), dbSNP rs776075902, ClinGen allele CA057076.
Genomic context (GRCh38, chr11:47,347,652, plus strand): 5'-CCCGTCTCAGACCCCTGGGGGTCTGCGGATGGTGCAGGTAGGGCCTGGGGCAGGGGTACC[T>C]GATCCGCCGACCACCTCCAGCCAGGCTCCTGTGGGGGTTAGACTCAGTATCCTCACCTGC-3'
Protein context (NP_000247.2, residues 274-294): TSLAGGGRRI[Ser284Gly]DSHEDTGILD